The following is an entry in ClinVar:

NM_052947.4(ALPK2):c.6028G>A (p.Glu2010Lys)

Gene: ALPK2 (alpha kinase 2; minus strand). Cytogenetic location: 18q21.31.
Variant type: single nucleotide variant.
Coding change: c.6028G>A on transcript NM_052947.4 (MANE Select); coding-DNA position 6028, G replaced by A.
Protein change: p.Glu2010Lys; replaces glutamic acid 2010 with lysine.
Molecular consequence: missense variant.
Genome position (GRCh38, 1-based): chr18:58,514,994, C>T on the plus strand (G>A on the coding strand, the complement: ALPK2 is on the minus strand). VCF-style: chr18-58514994-C-T. GRCh37 (hg19) VCF-style: chr18-56182226-C-T.
Other names: short protein forms E2010K.
Identifiers: ClinVar variation 1751156 (VCV001751156.3), dbSNP rs903091374, ClinGen allele CA300909681.

ClinVar aggregate classification (germline): Uncertain significance (1 of 4 stars; one submission).

Allele frequency attached by ClinVar (database versions not stated): gnomAD exomes 0.00001.
gnomAD v4.1: 8 of 1,611,468 alleles (0.0005%); highest among the groups gnomAD compares: African/African-American, 0.0093%; no homozygotes.

Submission:

Ambry Genetics
Classification: Uncertain significance. Last evaluated: 2024-04-19. Review status: criteria provided, single submitter. Criteria: Ambry Variant Classification Scheme 2023. Collection method: clinical testing. Allele origin: germline.
Comment: The p.E2010K variant (also known as c.6028G>A), located in coding exon 9 of the ALPK2 gene, results from a G to A substitution at nucleotide position 6028. The glutamic acid at codon 2010 is replaced by lysine, an amino acid with similar properties. This amino acid position is conserved. In addition, this alteration is predicted to be tolerated by in silico analysis. Since supporting evidence is limited at this time, the clinical significance of this alteration remains unclear.